The following is an entry in ClinVar:

ClinVar aggregate classification (germline): Likely pathogenic (1 of 4 stars; one submission).

gnomAD v4.1: 1 of 1,614,170 alleles (0.000062%); highest among the groups gnomAD compares: Non-Finnish European, 0.000085%; no homozygotes.

Submission:

Labcorp Genetics (formerly Invitae), Labcorp
Classification: Likely pathogenic. Last evaluated: 2023-05-12. Review status: criteria provided, single submitter. Criteria: Invitae Variant Classification Sherloc (09022015). Collection method: clinical testing. Allele origin: germline.
Comment: In summary, the currently available evidence indicates that the variant is pathogenic, but additional data are needed to prove that conclusively. Therefore, this variant has been classified as Likely Pathogenic. Algorithms developed to predict the effect of sequence changes on RNA splicing suggest that this variant may disrupt the consensus splice site. This variant has not been reported in the literature in individuals affected with COL17A1-related conditions. This variant is not present in population databases (gnomAD no frequency). This sequence change affects a donor splice site in intron 30 of the COL17A1 gene. It is expected to disrupt RNA splicing. Variants that disrupt the donor or acceptor splice site typically lead to a loss of protein function (PMID: 16199547), and loss-of-function variants in COL17A1 are known to be pathogenic (PMID: 16473856, 17344927, 20301304, 21357940, 24319098).

Literature cited by the submitters: PubMed 16199547; PubMed 16473856; PubMed 17344927; PubMed 20301304; PubMed 21357940; PubMed 24319098.

NM_000494.4(COL17A1):c.2263+1G>T

Gene: COL17A1 (collagen type XVII alpha 1 chain; minus strand). Cytogenetic location: 10q25.1.
Variant type: single nucleotide variant.
Coding change: c.2263+1G>T on transcript NM_000494.4 (MANE Select); the canonical splice donor site of the intron after coding-DNA position 2263, G replaced by T.
Molecular consequence: splice donor variant.
Genome position (GRCh38, 1-based): chr10:104,048,068, C>A on the plus strand (G>T on the coding strand, the complement: COL17A1 is on the minus strand). VCF-style: chr10-104048068-C-A. GRCh37 (hg19) VCF-style: chr10-105807826-C-A.
Identifiers: ClinVar variation 2863774 (VCV002863774.3), dbSNP rs2493318777, ClinGen allele CA378069125.